The following is an entry in ClinVar:

NM_018082.6(POLR3B):c.2605G>A (p.Val869Met)

Gene: POLR3B (RNA polymerase III subunit B; plus strand). Cytogenetic location: 12q23.3.
Variant type: single nucleotide variant.
Coding change: c.2605G>A on transcript NM_018082.6 (MANE Select); coding-DNA position 2605, G replaced by A.
Protein change: p.Val869Met; replaces valine 869 with methionine.
Molecular consequence: missense variant.
Genome position (GRCh38, 1-based): chr12:106,463,512, G>A. VCF-style: chr12-106463512-G-A. GRCh37 (hg19) VCF-style: chr12-106857290-G-A.
Other names: c.2431G>A, p.Val811Met (NM_001160708.2); short protein forms V811M, V869M.
Identifiers: ClinVar variation 2579591 (VCV002579591.1), dbSNP rs2542175242, ClinGen allele CA386390808.
Genomic context (GRCh38, chr12:106,463,512, plus strand): 5'-TTTTAGTGACTTTCTCTTAACACCAGCTACAAAGGAGCAACAGACTCATATATTGAAAAA[G>A]TGATGATATCTTCAAATGCTGAAGATGCTTTTCTGATCAAAATGCTGCTGAGACAGACAA-3'
Protein context (NP_060552.4, residues 859-879): KGATDSYIEK[Val869Met]MISSNAEDAF

ClinVar aggregate classification (germline): Uncertain significance (1 of 4 stars; one submission).

Submission:

GeneDx
Classification: Uncertain significance. Last evaluated: 2023-03-06. Review status: criteria provided, single submitter. Criteria: GeneDx Variant Classification Process June 2021. Collection method: clinical testing. Allele origin: germline. Affected: yes.
Comment: Not observed at significant frequency in large population cohorts (gnomAD); In silico analysis supports that this missense variant has a deleterious effect on protein structure/function; Has not been previously published as pathogenic or benign to our knowledge